The following is an entry in ClinVar:

ClinVar aggregate classification (germline): Likely benign (1 of 4 stars; one submission).

Submission:

CeGaT Center for Human Genetics Tuebingen
Classification: Likely benign. Last evaluated: 2022-11-01. Review status: criteria provided, single submitter. Criteria: CeGaT Center For Human Genetics Tuebingen Variant Classification Criteria Version 2. Collection method: clinical testing. Allele origin: germline. Affected: yes. Observed: 1 variant allele.
Comment: DGKZ: PM2:Supporting, BP4, BP7

NM_001199267.2(DGKZ):c.87C>T (p.Ala29=)

Gene: DGKZ (diacylglycerol kinase zeta; plus strand). Cytogenetic location: 11p11.2.
Variant type: single nucleotide variant.
Coding change: c.87C>T on transcript NM_001199267.2 (MANE Select); coding-DNA position 87, C replaced by T.
Protein change: p.Ala29=; no amino-acid change (alanine 29 retained).
Molecular consequence: synonymous variant. On other transcripts: intron variant (2).
Genome position (GRCh38, 1-based): chr11:46,347,746, C>T. VCF-style: chr11-46347746-C-T. GRCh37 (hg19) VCF-style: chr11-46369296-C-T.
Other names: c.87C>T, p.Ala29= (NM_001199268.2, NM_003646.4, NM_001199266.2); c.212+14259C>T (NM_201532.3); c.176+2161C>T (NM_201533.3).
Identifiers: ClinVar variation 2641744 (VCV002641744.24), dbSNP rs1187683062, ClinGen allele CA473861442.